The following is an entry in ClinVar:

ClinVar aggregate classification (germline): Uncertain significance (3 of 4 stars; one submission).

Conditions:
Phenylketonuria (PKU). Also called: OLIGOPHRENIA PHENYLPYRUVICA; Phenylketonurias; FOLLING DISEASE; Phenylketonuria (PKU). Identifiers: Orphanet 716, MedGen C0031485, MONDO:0009861, OMIM 261600. Disease mechanism: loss of function.

Submission:

ClinGen PAH Variant Curation Expert Panel
Classification: Uncertain significance for Phenylketonuria. Last evaluated: 2018-12-09. Review status: reviewed by expert panel. Criteria: ClinGen PAH ACMG Specifications v1. Collection method: curation. Allele origin: germline. Inheritance: Autosomal recessive inheritance.
Comment: BH4 deficiencies were not assessed/reported. (PMID: 19915519) This variant is absent in population databases. It is predicted deleterious by PolyPhen-2, MutationTaster, and SIFT. In summary, this variant meets criteria to be classified as uncertain significance for PAH. PAH-specific ACMG/AMP criteria applied: PP4, PM2, PP3.

Literature cited by the submitters: PubMed 19915519.

NM_000277.3(PAH):c.1100T>G (p.Leu367Arg)

Gene: PAH (phenylalanine hydroxylase; minus strand). Cytogenetic location: 12q23.2.
Variant type: single nucleotide variant.
Coding change: c.1100T>G on transcript NM_000277.3 (MANE Select); coding-DNA position 1100, T replaced by G.
Protein change: p.Leu367Arg; replaces leucine 367 with arginine.
Molecular consequence: missense variant.
Genome position (GRCh38, 1-based): chr12:102,843,745, A>C on the plus strand (T>G on the coding strand, the complement: PAH is on the minus strand). VCF-style: chr12-102843745-A-C. GRCh37 (hg19) VCF-style: chr12-103237523-A-C.
Other names: c.1100T>G, p.Leu367Arg (NM_001354304.2); short protein forms L367R.
Identifiers: ClinVar variation 619161 (VCV000619161.2), dbSNP rs62508574, ClinGen allele CA16020939.